The following is an entry in ClinVar:

ClinVar aggregate classification (germline): Uncertain significance (1 of 4 stars; one submission).

Conditions:
Dilated cardiomyopathy 1G (CMD1G). Identifiers: Orphanet 154, MedGen C1858763, MONDO:0011400, OMIM 604145.
Autosomal recessive limb-girdle muscular dystrophy type 2J (LGMDR10). Also called: MUSCULAR DYSTROPHY, LIMB-GIRDLE, AUTOSOMAL RECESSIVE 10; Limb-girdle muscular dystrophy, type 2J. Identifiers: Orphanet 140922, MedGen C1837342, MONDO:0012127, OMIM 608807.

Submission:

Labcorp Genetics (formerly Invitae), Labcorp
Classification: Uncertain significance for Dilated cardiomyopathy 1G; Autosomal recessive limb-girdle muscular dystrophy type 2J. Last evaluated: 2025-03-09. Review status: criteria provided, single submitter. Criteria: Invitae Variant Classification Sherloc (09022015). Collection method: clinical testing. Allele origin: germline.
Comment: This sequence change inserts a large fragment of DNA, likely a transposable element, in exon 10 of the TTN gene (c.1621_1622ins?), causing a frameshift at codon 541 (p.Glu541fs). The exact size and sequence of the insertion cannot be determined by the current assay. However, the insertion is expected to result in an absent or disrupted protein product. While this is not anticipated to result in nonsense mediated decay, it is expected to create a truncated TTN protein. This variant is not present in population databases (gnomAD no frequency). This variant has not been reported in the literature in individuals affected with TTN-related conditions. ClinVar contains an entry for this variant (Variation ID: 1023355). This variant is located in the Z band of TTN (PMID: 25589632). Truncating variants in this region have been reported in individuals affected with autosomal recessive centronuclear myopathy (PMID: 33449170, internal data). Truncating variants in this region have also been identified in individuals affected with autosomal dominant dilated cardiomyopathy and/or cardio-related conditions (PMID: 27869827, 32964742, internal data). Retrotransposon insertions including LINE1 (L1), Alu, and SVA (SINE-VNTR-Alu) have been reported to disrupt protein function (PMID: 19763152, 20307669, 22406018). However the effect of this particular variant is unknown. In summary, the available evidence is currently insufficient to determine the role of this variant in disease. Therefore, it has been classified as a Variant of Uncertain Significance.

Literature cited by the submitters: PubMed 25589632; PubMed 33449170; PubMed 27869827; PubMed 32964742; PubMed 19763152; PubMed 20307669; PubMed 22406018.

NM_001267550.2(TTN):c.1621_1622insCATTGCTTGTTTTTCTCAGGTTTGTCAAAGATCAGATAGTTGTAGATATGCGGCATTATTTCTGAGGGCTCTGTTCTGTTCCATTGATCTATATCTCTGTTTTNNNNNNNNNNAAAAAAAAAAAAAAAAAAAAGAAACTAGAATTTCTG (p.Glu541delinsAlaLeuLeuValPheLeuArgPheValLysAspGlnIleValValAspMetArgHisTyrPheTer)

Gene: TTN (titin; minus strand). Cytogenetic location: 2q31.2.
Variant type: Insertion.
Coding change: c.1621_1622insCATTGCTTGTTTTTCTCAGGTTTGTCAAAGATCAGATAGTTGTAGATATGCGGCATTATTTCTGAGGGCTCTGTTCTGTTCCATTGATCTATATCTCTGTTTTNNNNNNNNNNAAAAAAAAAAAAAAAAAAAAGAAACTAGAATTTCTG on transcript NM_001267550.2 (MANE Select); coding-DNA positions 1621 to 1622, CATTGCTTGTTTTTCTCAGGTTTGTCAAAGATCAGATAGTTGTAGATATGCGGCATTATTTCTGAGGGCTCTGTTCTGTTCCATTGATCTATATCTCTGTTTTNNNNNNNNNNAAAAAAAAAAAAAAAAAAAAGAAACTAGAATTTCTG inserted.
Protein change: p.Glu541delinsAlaLeuLeuValPheLeuArgPheValLysAspGlnIleValValAspMetArgHisTyrPheTer.
Molecular consequence: nonsense.
Genome position: GRCh38: chr2:178,792,130-178,792,131. GRCh37 (hg19): chr2:179,656,857-179,656,858.
Other names: c.1621_1622insCATTGCTTGTTTTTCTCAGGTTTGTCAAAGATCAGATAGTTGTAGATATGCGGCATTATTTCTGAGGGCTCTGTTCTGTTCCATTGATCTATATCTCTGTTTTNNNNNNNNNNAAAAAAAAAAAAAAAAAAAAGAAACTAGAATTTCTG, p.Glu541delinsAlaLeuLeuValPheLeuArgPheValLysAspGlnIleValValAspMetArgHisTyrPheTer (NM_001256850.1, NM_003319.4, NM_133378.4 and 3 more transcripts).
Identifiers: ClinVar variation 1023355 (VCV001023355.9), dbSNP rs2093537697.